The following is an entry in ClinVar:

ClinVar aggregate classification (germline): Uncertain significance (1 of 4 stars; one submission).

Submission:

GeneDx
Classification: Uncertain significance. Last evaluated: 2024-02-05. Review status: criteria provided, single submitter. Criteria: GeneDx Variant Classification Process June 2021. Collection method: clinical testing. Allele origin: germline. Affected: yes.
Comment: Not observed at significant frequency in large population cohorts (gnomAD); In silico analysis supports a deleterious effect on splicing; Has not been previously published as pathogenic or benign to our knowledge

NM_004606.5(TAF1):c.4453-7A>G

Gene: TAF1 (TATA-box binding protein associated factor 1; plus strand). Cytogenetic location: Xq13.1.
Variant type: single nucleotide variant.
Coding change: c.4453-7A>G on transcript NM_004606.5 (MANE Select); 7 bases into the intron before coding-DNA position 4453, A replaced by G.
Molecular consequence: intron variant.
Genome position (GRCh38, 1-based): chrX:71,423,110, A>G. VCF-style: chrX-71423110-A-G. GRCh37 (hg19) VCF-style: chrX-70642960-A-G.
Other names: c.4453-7A>G (NM_001286074.2); c.4390-7A>G (NM_138923.4).
Identifiers: ClinVar variation 3368721 (VCV003368721.1).